The following is an entry in ClinVar:

ClinVar aggregate classification (germline): Uncertain significance. Review status: criteria provided, multiple submitters, no conflicts (2 of 4 stars). 4 submissions from 4 submitters: Uncertain significance (4). Last evaluated 2025-11-15.

Conditions:
Congenital prothrombin deficiency. Also called: Inherited hypoprothrombinemia; Congenital factor II deficiency; Inherited prothrombin deficiency; Factor II deficiency; Hereditary factor II deficiency disease; HYPOPROTHROMBINEMIA. Identifiers: Orphanet 325, MedGen C0272317, MONDO:0013361, OMIM 613679.

gnomAD v4.1: 218 of 1,610,668 alleles (0.014%); highest among the groups gnomAD compares: Non-Finnish European, 0.018%; no homozygotes.

Submissions (4):

Labcorp Genetics (formerly Invitae), Labcorp
Classification: Uncertain significance for Congenital prothrombin deficiency. Last evaluated: 2025-11-15. Review status: criteria provided, single submitter. Criteria: Invitae Variant Classification Sherloc (09022015). Collection method: clinical testing. Allele origin: germline.
Comment: This sequence change replaces proline, which is neutral and non-polar, with threonine, which is neutral and polar, at codon 386 of the F2 protein (p.Pro386Thr). This variant is present in population databases (rs5897, gnomAD 0.02%). This variant has not been reported in the literature in individuals affected with F2-related conditions. ClinVar contains an entry for this variant (Variation ID: 3337090). An algorithm developed to predict the effect of missense changes on protein structure and function (PolyPhen-2) suggests that this variant is likely to be disruptive. In summary, the available evidence is currently insufficient to determine the role of this variant in disease. Therefore, it has been classified as a Variant of Uncertain Significance.

Blueprint Genetics
Classification: Uncertain significance. Last evaluated: 2024-09-25. Review status: criteria provided, single submitter. Criteria: ACMG Guidelines, 2015. Collection method: clinical testing. Allele origin: germline.

MVZ Martinsried, Medicover Genetics
Classification: Uncertain significance for Congenital prothrombin deficiency. Last evaluated: 2024-07-23. Review status: criteria provided, single submitter. Criteria: ACGS Guidelines, 2020. Collection method: clinical testing. Allele origin: unknown. Affected: yes.

Clinical Genetics Laboratory, Skane University Hospital Lund
Classification: Uncertain significance. Last evaluated: 2024-02-20. Review status: criteria provided, single submitter. Criteria: ACMG Guidelines, 2015. Collection method: clinical testing. Allele origin: germline. Affected: yes.

NM_000506.5(F2):c.1156C>A (p.Pro386Thr)

Gene: F2 (coagulation factor II, thrombin; plus strand). Cytogenetic location: 11p11.2.
Variant type: single nucleotide variant.
Coding change: c.1156C>A on transcript NM_000506.5 (MANE Select); coding-DNA position 1156, C replaced by A.
Protein change: p.Pro386Thr; replaces proline 386 with threonine.
Molecular consequence: missense variant.
Genome position (GRCh38, 1-based): chr11:46,728,021, C>A. VCF-style: chr11-46728021-C-A. GRCh37 (hg19) VCF-style: chr11-46749571-C-A.
Other names: short protein forms P386T.
Identifiers: ClinVar variation 3337090 (VCV003337090.4).
Genomic context (GRCh38, chr11:46,728,021, plus strand): 5'-CCTCAGCTCCTAATGCTTCCTGCTGCCCCTCCCAGGCAGGTGATGCTTTTCCGGAAGAGT[C>A]CCCAGGAGCTGCTGTGTGGGGCCAGCCTCATCAGTGACCGCTGGGTCCTCACCGCCGCCC-3'
Protein context (NP_000497.1, residues 376-396): PWQVMLFRKS[Pro386Thr]QELLCGASLI